The following is an entry in ClinVar:

ClinVar aggregate classification (germline): Uncertain significance (1 of 4 stars; one submission).

gnomAD v4.1: 3 of 1,614,046 alleles (0.00019%); highest among the groups gnomAD compares: African/African-American, 0.004%; no homozygotes.

Submission:

Women's Health and Genetics/Laboratory Corporation of America, LabCorp
Classification: Uncertain significance. Last evaluated: 2025-12-10. Review status: criteria provided, single submitter. Criteria: LabCorp Variant Classification Summary - May 2015. Collection method: clinical testing. Allele origin: germline.
Comment: Variant summary: ASH1L c.5395G>A (p.Val1799Ile) results in a conservative amino acid change in the encoded protein sequence. Algorithms developed to predict the effect of missense changes on protein structure and function all suggest that this variant is likely to be tolerated. The variant allele was found at a frequency of 8e-06 in 251414 control chromosomes. The available data on variant occurrences in the general population are insufficient to allow any conclusion about variant significance. To our knowledge, no occurrence of c.5395G>A in individuals affected with ASH1L-related conditions and no experimental evidence demonstrating its impact on protein function have been reported. No submitters have cited clinical-significance assessments for this variant to ClinVar. Based on the evidence outlined above, the variant was classified as uncertain significance.

NM_018489.3(ASH1L):c.5395G>A (p.Val1799Ile)

Gene: ASH1L (ASH1 like histone lysine methyltransferase; minus strand). Cytogenetic location: 1q22.
Variant type: single nucleotide variant.
Coding change: c.5395G>A on transcript NM_018489.3 (MANE Select); coding-DNA position 5395, G replaced by A.
Protein change: p.Val1799Ile; replaces valine 1799 with isoleucine.
Molecular consequence: missense variant.
Genome position (GRCh38, 1-based): chr1:155,438,760, C>T on the plus strand (G>A on the coding strand, the complement: ASH1L is on the minus strand). VCF-style: chr1-155438760-C-T. GRCh37 (hg19) VCF-style: chr1-155408551-C-T.
Other names: c.5395G>A, p.Val1799Ile (NM_001366177.2); short protein forms V1799I.
Identifiers: ClinVar variation 4688434 (VCV004688434.1).